The following is an entry in ClinVar:

NM_153460.4(IL17RC):c.884G>A (p.Arg295His)

Gene: IL17RC (interleukin 17 receptor C; plus strand). Cytogenetic location: 3p25.3.
Variant type: single nucleotide variant.
Coding change: c.884G>A on transcript NM_153460.4 (MANE Select); coding-DNA position 884, G replaced by A.
Protein change: p.Arg295His; replaces arginine 295 with histidine.
Molecular consequence: missense variant. On other transcripts: non-coding transcript variant (1).
Genome position (GRCh38, 1-based): chr3:9,928,311, G>A. VCF-style: chr3-9928311-G-A. GRCh37 (hg19) VCF-style: chr3-9969995-G-A.
Other names: c.884G>A, p.Arg295His (NM_001203263.2, NM_001203264.2); c.839G>A, p.Arg280His (NM_001203265.2, NM_001367280.1, NM_001410711.1 and 1 more transcripts); c.845G>A, p.Arg282His (NM_001367278.1); c.764G>A, p.Arg255His (NM_001367279.1); c.1097G>A, p.Arg366His (NM_153461.4); short protein forms R366H, R255H, R282H, R280H, R295H.
Identifiers: ClinVar variation 2156004 (VCV002156004.4), dbSNP rs760136653, ClinGen allele CA2247062.

ClinVar aggregate classification (germline): Uncertain significance (1 of 4 stars; one submission).

Conditions:
Candidiasis, familial, 9 (CANDF9). Identifiers: Orphanet 1334, MedGen C4225324, MONDO:0014642, OMIM 616445.

Allele frequency attached by ClinVar (database versions not stated): TOPMed below 0.00001; gnomAD 0.00001; ExAC 0.00002.
gnomAD v4.1: 27 of 1,607,308 alleles (0.0017%); highest among the groups gnomAD compares: Admixed American, 0.0034%; no homozygotes.

Submission:

Labcorp Genetics (formerly Invitae), Labcorp
Classification: Uncertain significance for Candidiasis, familial, 9. Last evaluated: 2024-04-17. Review status: criteria provided, single submitter. Criteria: Invitae Variant Classification Sherloc (09022015). Collection method: clinical testing. Allele origin: germline.
Comment: This sequence change replaces arginine, which is basic and polar, with histidine, which is basic and polar, at codon 366 of the IL17RC protein (p.Arg366His). This variant is present in population databases (rs760136653, gnomAD 0.006%). This variant has not been reported in the literature in individuals affected with IL17RC-related conditions. ClinVar contains an entry for this variant (Variation ID: 2156004). An algorithm developed to predict the effect of missense changes on protein structure and function (PolyPhen-2) suggests that this variant is likely to be disruptive. In summary, the available evidence is currently insufficient to determine the role of this variant in disease. Therefore, it has been classified as a Variant of Uncertain Significance.